The following is an entry in ClinVar:

ClinVar aggregate classification (germline): Uncertain significance (1 of 4 stars; one submission).

Conditions:
Kufor-Rakeb syndrome (KRS). Also called: PARKINSON DISEASE 9, AUTOSOMAL RECESSIVE, JUVENILE-ONSET. Identifiers: Orphanet 306674, Orphanet 314632, MedGen C1847640, MONDO:0011706, OMIM 606693.
Autosomal recessive spastic paraplegia type 78. Identifiers: Orphanet 513436, MedGen C5567893, MONDO:0014975, OMIM 617225.

gnomAD v4.1: 1 of 1,612,428 alleles (0.000062%); highest among the groups gnomAD compares: Non-Finnish European, 0.000085%; no homozygotes.

Submission:

Labcorp Genetics (formerly Invitae), Labcorp
Classification: Uncertain significance for Kufor-Rakeb syndrome; Autosomal recessive spastic paraplegia type 78. Last evaluated: 2021-07-31. Review status: criteria provided, single submitter. Criteria: Invitae Variant Classification Sherloc (09022015). Collection method: clinical testing. Allele origin: germline.
Comment: In summary, the available evidence is currently insufficient to determine the role of this variant in disease. Therefore, it has been classified as a Variant of Uncertain Significance. Algorithms developed to predict the effect of sequence changes on RNA splicing suggest that this variant may disrupt the consensus splice site. Algorithms developed to predict the effect of missense changes on protein structure and function are either unavailable or do not agree on the potential impact of this missense change (SIFT: "Deleterious"; PolyPhen-2: "Probably Damaging"; Align-GVGD: "Class C0"). This variant has not been reported in the literature in individuals affected with ATP13A2-related conditions. This variant is not present in population databases (ExAC no frequency). This sequence change replaces threonine with arginine at codon 953 of the ATP13A2 protein (p.Thr953Arg). The threonine residue is moderately conserved and there is a moderate physicochemical difference between threonine and arginine.

NM_022089.4(ATP13A2):c.2858C>G (p.Thr953Arg)

Gene: ATP13A2 (ATPase cation transporting 13A2; minus strand). Cytogenetic location: 1p36.13.
Variant type: single nucleotide variant.
Coding change: c.2858C>G on transcript NM_022089.4 (MANE Select); coding-DNA position 2858, C replaced by G.
Protein change: p.Thr953Arg; replaces threonine 953 with arginine.
Molecular consequence: missense variant.
Genome position (GRCh38, 1-based): chr1:16,988,139, G>C on the plus strand (C>G on the coding strand, the complement: ATP13A2 is on the minus strand). VCF-style: chr1-16988139-G-C. GRCh37 (hg19) VCF-style: chr1-17314634-G-C.
Other names: c.2843C>G, p.Thr948Arg (NM_001141973.3); c.2726C>G, p.Thr909Arg (NM_001141974.3); short protein forms T953R, T909R, T948R.
Identifiers: ClinVar variation 1371264 (VCV001371264.6), dbSNP rs148721722, ClinGen allele CA338236172.